The following is an entry in ClinVar:

NM_000548.5(TSC2):c.11dup (p.Thr5fs)

Gene: TSC2 (TSC complex subunit 2; plus strand). Cytogenetic location: 16p13.3.
Variant type: Duplication.
Coding change: c.11dup on transcript NM_000548.5 (MANE Select); coding-DNA position 11, one base duplicated (C; older notation c.11dupC).
Protein change: p.Thr5fs; shifts the reading frame from threonine 5.
Molecular consequence: frameshift variant. On other transcripts: 5 prime UTR variant (1), intron variant (1).
Genome position (GRCh38, 1-based): chr16:2,048,626, C duplicated; the last of 2 consecutive C bases (chr16:2,048,625-2,048,626); duplicating either gives the same sequence. VCF-style (leftmost placement, unchanged base first): chr16-2048624-A-AC. GRCh37 (hg19) VCF-style: chr16-2098625-A-AC.
Other names: c.11dupC (NM_000548.3); c.11dup, p.Thr5fs (NM_001077183.3, NM_001114382.3, NM_001318827.2 and 4 more transcripts); c.-216dup (NM_001318831.2); c.44dup, p.Thr16fs (NM_001318832.2); c.-10+561dup (NM_001318829.2); short protein forms T5fs, T16fs.
Identifiers: ClinVar variation 817302 (VCV000817302.3), dbSNP rs1596233685, ClinGen allele CA915946201.

ClinVar aggregate classification (germline): Likely pathogenic (1 of 4 stars; one submission).

Submission:

GeneDx
Classification: Likely pathogenic. Last evaluated: 2024-07-10. Review status: criteria provided, single submitter. Criteria: GeneDx Variant Classification Process June 2021. Collection method: clinical testing. Allele origin: germline. Affected: yes.
Comment: Frameshift variant predicted to result in protein truncation or nonsense mediated decay in a gene for which loss of function is a known mechanism of disease; Not observed at significant frequency in large population cohorts (gnomAD); Has not been previously published as pathogenic or benign to our knowledge